The following is an entry in ClinVar:

NM_001105206.3(LAMA4):c.494A>T (p.Asn165Ile)

Gene: LAMA4 (laminin subunit alpha 4; minus strand). Cytogenetic location: 6q21.
Variant type: single nucleotide variant.
Coding change: c.494A>T on transcript NM_001105206.3 (MANE Select); coding-DNA position 494, A replaced by T.
Protein change: p.Asn165Ile; replaces asparagine 165 with isoleucine.
Molecular consequence: missense variant.
Genome position (GRCh38, 1-based): chr6:112,201,617, T>A on the plus strand (A>T on the coding strand, the complement: LAMA4 is on the minus strand). VCF-style: chr6-112201617-T-A. GRCh37 (hg19) VCF-style: chr6-112522818-T-A.
Other names: c.494A>T, p.Asn165Ile (NM_001105207.3, NM_002290.5); short protein forms N165I.
Identifiers: ClinVar variation 2562632 (VCV002562632.2), dbSNP rs2547179482, ClinGen allele CA365379604.
Genomic context (GRCh38, chr6:112,201,617, plus strand): 5'-CAGAAAGCTTCCTTTGACCCACACAGAAAATAGAGAATTTTATTGGCTTACCTTTCACAG[T>A]TAGGTCCAGCATAATTTTCGTTACAAATGCACCGAACAGCTCCATTTTTCCTATAGCAGG-3'
Protein context (NP_001098676.2, residues 155-175): CICNENYAGP[Asn165Ile]CERCAPGYYG

ClinVar aggregate classification (germline): Uncertain significance (1 of 4 stars; one submission).

Conditions:
Cardiovascular phenotype. Identifiers: MedGen CN230736.

Submission:

Ambry Genetics
Classification: Uncertain significance for Cardiovascular phenotype. Last evaluated: 2023-05-15. Review status: criteria provided, single submitter. Criteria: Ambry Variant Classification Scheme 2023. Collection method: clinical testing. Allele origin: germline.
Comment: The p.N165I variant (also known as c.494A>T), located in coding exon 4 of the LAMA4 gene, results from an A to T substitution at nucleotide position 494. The asparagine at codon 165 is replaced by isoleucine, an amino acid with dissimilar properties. This amino acid position is conserved. In addition, the in silico prediction for this alteration is inconclusive. Since supporting evidence is limited at this time, the clinical significance of this alteration remains unclear.